The following is an entry in ClinVar:

ClinVar aggregate classification (germline): Uncertain significance (1 of 4 stars; one submission).

Conditions:
Familial thoracic aortic aneurysm and aortic dissection (TAAD). Also called: Thoracic aortic aneurysms and dissections. Identifiers: Orphanet 91387, MedGen C4707243, MONDO:0019625.
Hereditary cancer-predisposing syndrome. Also called: Hereditary Cancer Syndrome; Hereditary neoplastic syndrome; Neoplastic Syndromes, Hereditary; Tumor predisposition. Identifiers: Orphanet 140162, MedGen C0027672, MeSH D009386, MONDO:0015356.

Submission:

Ambry Genetics
Classification: Uncertain significance for Hereditary cancer-predisposing syndrome; Familial thoracic aortic aneurysm and aortic dissection. Last evaluated: 2022-07-08. Review status: criteria provided, single submitter. Criteria: Ambry Variant Classification Scheme 2023. Collection method: clinical testing. Allele origin: germline.
Comment: The p.T197I variant (also known as c.590C>T), located in coding exon 4 of the SMAD4 gene, results from a C to T substitution at nucleotide position 590. The threonine at codon 197 is replaced by isoleucine, an amino acid with similar properties. This amino acid position is not well conserved in available vertebrate species. In addition, this alteration is predicted to be tolerated by in silico analysis. Since supporting evidence is limited at this time, the clinical significance of this alteration remains unclear.

NM_005359.6(SMAD4):c.590C>T (p.Thr197Ile)

Gene: SMAD4 (SMAD family member 4; plus strand). Cytogenetic location: 18q21.2.
Variant type: single nucleotide variant.
Coding change: c.590C>T on transcript NM_005359.6 (MANE Select); coding-DNA position 590, C replaced by T.
Protein change: p.Thr197Ile; replaces threonine 197 with isoleucine.
Molecular consequence: missense variant.
Genome position (GRCh38, 1-based): chr18:51,054,916, C>T. VCF-style: chr18-51054916-C-T. GRCh37 (hg19) VCF-style: chr18-48581286-C-T.
Other names: c.590C>T, p.Thr197Ile (NM_001407041.1, NM_001407042.1, NM_001407043.1); short protein forms T197I.
Identifiers: ClinVar variation 1750442 (VCV001750442.2), dbSNP rs2144419088, ClinGen allele CA402461083.